The following is an entry in ClinVar:

ClinVar aggregate classification (germline): Uncertain significance. Review status: criteria provided, multiple submitters, no conflicts (2 of 4 stars). 5 submissions from 5 submitters: Uncertain significance (4). 1 of the submissions does not count toward it. Last evaluated 2024-05-31.

Conditions:
Charcot-Marie-Tooth disease type 4. Also called: Charcot-Marie-Tooth disease, type IV; Charcot-Marie-Tooth, Type 4. Identifiers: Orphanet 64749, MedGen C4082197, MONDO:0018995.
Charcot-Marie-Tooth disease type 4D. Also called: NEUROPATHY, HEREDITARY MOTOR AND SENSORY, LOM TYPE; CHARCOT-MARIE-TOOTH DISEASE, DEMYELINATING, TYPE 4D; CHARCOT-MARIE-TOOTH DISEASE, DEMYELINATING, AUTOSOMAL RECESSIVE, TYPE 4D; Charcot-Marie-Tooth Neuropathy Type 4D. Identifiers: Orphanet 99950, MedGen C1832334, MONDO:0011085, OMIM 601455.

gnomAD v4.1: 7 of 1,573,530 alleles (0.00044%); highest among the groups gnomAD compares: Admixed American, 0.0076%; no homozygotes.

Submissions (5):

Fulgent Genetics
Classification: Uncertain significance for Charcot-Marie-Tooth disease type 4D. Last evaluated: 2024-05-31. Review status: criteria provided, single submitter. Criteria: ACMG Guidelines, 2015. Collection method: clinical testing. Allele origin: germline.

Labcorp Genetics (formerly Invitae), Labcorp
Classification: Uncertain significance for Charcot-Marie-Tooth disease type 4. Last evaluated: 2022-08-09. Review status: criteria provided, single submitter. Criteria: Invitae Variant Classification Sherloc (09022015). Collection method: clinical testing. Allele origin: germline.
Comment: This sequence change replaces arginine, which is basic and polar, with histidine, which is basic and polar, at codon 327 of the NDRG1 protein (p.Arg327His). The frequency data for this variant in the population databases is considered unreliable, as metrics indicate poor data quality at this position in the gnomAD database. This variant has not been reported in the literature in individuals affected with NDRG1-related conditions. ClinVar contains an entry for this variant (Variation ID: 418628). Algorithms developed to predict the effect of missense changes on protein structure and function are either unavailable or do not agree on the potential impact of this missense change (SIFT: "Deleterious"; PolyPhen-2: "Possibly Damaging"; Align-GVGD: "Class C0"). In summary, the available evidence is currently insufficient to determine the role of this variant in disease. Therefore, it has been classified as a Variant of Uncertain Significance.

GeneDx
Classification: Uncertain significance. Last evaluated: 2017-02-13. Review status: criteria provided, single submitter. Criteria: GeneDx Variant Classification (06012015). Collection method: clinical testing. Allele origin: germline. Affected: yes.
Comment: A variant of uncertain significance has been identified in the NDRG1 gene. The R327H variant has not been published as a pathogenic variant, nor has it been reported as a benign variant to our knowledge. The R327H variant is not observed in large population cohorts (Lek et al., 2016; 1000 Genomes Consortium et al., 2015; Exome Variant Server). This substitution occurs at a position that is conserved across species, and in silico analysis predicts this variant is probably damaging to the protein structure/function. However, the R327H variant is a conservative amino acid substitution, which is not likely to impact secondary protein structure as these residues share similar properties. Therefore, based on the currently available information, it is unclear whether this variant is a pathogenic variant or a rare benign variant.

Breakthrough Genomics
Classification: Uncertain significance. Review status: criteria provided, single submitter. Criteria: ACMG Guidelines, 2015. Collection method: not provided. Allele origin: germline. Inheritance: Autosomal recessive inheritance. Affected: yes.

Natera, Inc.
Classification: Uncertain significance for Charcot-Marie-Tooth disease type 4. Last evaluated: 2020-09-16. Review status: no assertion criteria provided. Collection method: clinical testing. Allele origin: germline. Not counted in ClinVar's aggregate classification.

NM_006096.4(NDRG1):c.980G>A (p.Arg327His)

Gene: NDRG1 (N-myc downstream regulated 1; minus strand). Cytogenetic location: 8q24.22.
Variant type: single nucleotide variant.
Coding change: c.980G>A on transcript NM_006096.4 (MANE Select); coding-DNA position 980, G replaced by A.
Protein change: p.Arg327His; replaces arginine 327 with histidine.
Molecular consequence: missense variant.
Genome position (GRCh38, 1-based): chr8:133,239,083, C>T on the plus strand (G>A on the coding strand, the complement: NDRG1 is on the minus strand). VCF-style: chr8-133239083-C-T. GRCh37 (hg19) VCF-style: chr8-134251326-C-T.
Other names: c.980G>A, p.Arg327His (NM_001135242.2, NM_001374845.1, NM_001374846.1); c.782G>A, p.Arg261His (NM_001258432.2, NM_001374847.1); c.737G>A, p.Arg246His (NM_001258433.2); c.1031G>A, p.Arg344His (NM_001374844.1); short protein forms R327H, R261H, R246H, R344H.
Identifiers: ClinVar variation 418628 (VCV000418628.7), dbSNP rs565705964, ClinGen allele CA16618603.